The following is an entry in ClinVar:

ClinVar aggregate classification (germline): Pathogenic/Likely pathogenic. Review status: criteria provided, multiple submitters, no conflicts (2 of 4 stars). 5 submissions from 5 submitters: Pathogenic (3); Likely pathogenic (1). 1 of the submissions does not count toward it. Last evaluated 2025-12-31.

Conditions:
Mucopolysaccharidosis type 6 (MPS6). Also called: N-ACETYLGALACTOSAMINE-4-SULFATASE DEFICIENCY; MPS VI; MPS 6; Maroteaux Lamy syndrome; ARSB DEFICIENCY; ARYLSULFATASE B DEFICIENCY. Identifiers: Orphanet 583, MedGen C0026709, MONDO:0009661, OMIM 253200.

Allele frequency attached by ClinVar (database versions not stated): TOPMed 0.00001.

Submissions (5):

Natera, Inc.
Classification: Likely pathogenic for Mucopolysaccharidosis type VI. Last evaluated: 2025-12-31. Review status: criteria provided, single submitter. Criteria: Natera Variant Classification Schema (03/2026). Collection method: clinical testing. Allele origin: germline.
Comment: The c.1178A>G variant in ARSB is a missense variant predicted to cause substitution of histidine to arginine at amino acid 393. This variant is rare in the general population with a frequency below the threshold expected for the associated phenotype(s). This variant has been observed in one or more individuals affected with the associated recessive disease, as either homozygous or compound heterozygous with a second variant (PMID: 25654180, 26609033). A different variant at the same position has been determined to be Pathogenic or Likely Pathogenic. Computational prediction algorithms indicate this variant is likely to affect gene or protein function. Given the available evidence, this variant is classified as Likely Pathogenic.

Foundation for Research in Genetics and Endocrinology, FRIGE's Institute of Human Genetics
Classification: Pathogenic for Mucopolysaccharidosis type 6. Last evaluated: 2025-01-16. Review status: criteria provided, single submitter. Criteria: ACMG Guidelines, 2015. Collection method: clinical testing. Allele origin: germline. Inheritance: Autosomal recessive inheritance. Affected: yes. Observed: 1 compound heterozygote.
Comment: A heterozygous missense variant in exon 6 of the ARSB gene that results in the amino acid substitution of Arginine for Histidine at codon 393 was detected. The observed variant c.1178A>G (p.His393Arg) has not been reported in the 1000 genomes and gnomAD databases. The in-silico prediction of the variant is damaging by MutationTaster2 and DANN. In summary, the variant meets our criteria to be classified as pathogenic.

Baylor Genetics
Classification: Pathogenic for Mucopolysaccharidosis type 6. Last evaluated: 2023-03-13. Review status: criteria provided, single submitter. Criteria: ACMG Guidelines, 2015. Collection method: clinical testing. Allele origin: unknown.

Labcorp Genetics (formerly Invitae), Labcorp
Classification: Pathogenic for Mucopolysaccharidosis type 6. Last evaluated: 2022-08-06. Review status: criteria provided, single submitter. Criteria: Invitae Variant Classification Sherloc (09022015). Collection method: clinical testing. Allele origin: germline.
Comment: ClinVar contains an entry for this variant (Variation ID: 559686). This missense change has been observed in individual(s) with mucopolysaccharidosis type VI (PMID: 26609033). This variant is not present in population databases (gnomAD no frequency). This sequence change replaces histidine, which is basic and polar, with arginine, which is basic and polar, at codon 393 of the ARSB protein (p.His393Arg). Advanced modeling of protein sequence and biophysical properties (such as structural, functional, and spatial information, amino acid conservation, physicochemical variation, residue mobility, and thermodynamic stability) performed at Invitae indicates that this missense variant is expected to disrupt ARSB protein function. For these reasons, this variant has been classified as Pathogenic. This variant disrupts the p.His393 amino acid residue in ARSB. Other variant(s) that disrupt this residue have been determined to be pathogenic (PMID: 8651289, 11939792, 17458871). This suggests that this residue is clinically significant, and that variants that disrupt this residue are likely to be disease-causing. Experimental studies have shown that this missense change affects ARSB function (PMID: 27826022).

Laboratory of Diagnosis and Therapy of Lysosomal Disorders, University of Padova
Classification: Uncertain significance for Mucopolysaccharidosis type 6. Last evaluated: 2018-01-01. Review status: flagged submission. Criteria: ACMG Guidelines, 2015. Collection method: curation. Allele origin: germline. Affected: yes. Not counted in ClinVar's aggregate classification.
Comment: Absent from GnomAD (PM2)
ClinVar note: Reason: Claim with insufficient supporting evidence

Literature cited by the submitters: PubMed 25654180 (cited by Natera, Inc. and Laboratory of Diagnosis and Therapy of Lysosomal Disorders, University of Padova); PubMed 26609033 (cited by 3 submitters); PubMed 8651289 (cited by Labcorp Genetics (formerly Invitae), Labcorp); PubMed 11939792 (cited by Labcorp Genetics (formerly Invitae), Labcorp); PubMed 17458871 (cited by Labcorp Genetics (formerly Invitae), Labcorp); PubMed 27826022 (cited by Labcorp Genetics (formerly Invitae), Labcorp); PubMed 30118150 (cited by Laboratory of Diagnosis and Therapy of Lysosomal Disorders, University of Padova).

NM_000046.5(ARSB):c.1178A>G (p.His393Arg)

Gene: ARSB (arylsulfatase B; minus strand). Cytogenetic location: 5q14.1.
Variant type: single nucleotide variant.
Coding change: c.1178A>G on transcript NM_000046.5 (MANE Select); coding-DNA position 1178, A replaced by G.
Protein change: p.His393Arg; replaces histidine 393 with arginine.
Molecular consequence: missense variant.
Genome position (GRCh38, 1-based): chr5:78,839,391, T>C on the plus strand (A>G on the coding strand, the complement: ARSB is on the minus strand). VCF-style: chr5-78839391-T-C. GRCh37 (hg19) VCF-style: chr5-78135214-T-C.
Other names: p.His393Arg; c.1178A>G, p.His393Arg (NM_198709.3); short protein forms H393R.
Identifiers: ClinVar variation 559686 (VCV000559686.11), dbSNP rs118203944, ClinGen allele CA360338672.